The following is an entry in ClinVar:

NM_000376.3(VDR):c.*1242A>G

Gene: VDR (vitamin D receptor; minus strand). Cytogenetic location: 12q13.11.
Variant type: single nucleotide variant.
Coding change: c.*1242A>G on transcript NM_000376.3 (MANE Select); 1242 bases downstream of the stop codon, A replaced by G.
Molecular consequence: 3 prime UTR variant.
Genome position (GRCh38, 1-based): chr12:47,843,504, T>C on the plus strand (A>G on the coding strand, the complement: VDR is on the minus strand). VCF-style: chr12-47843504-T-C. GRCh37 (hg19) VCF-style: chr12-48237287-T-C.
Other names: c.*1242A>G (NM_001017535.2, NM_001017536.2, NM_001374661.1 and 1 more transcripts); c.*1041A>G (NM_001364085.2).
Identifiers: ClinVar variation 882260 (VCV000882260.4), dbSNP rs7954412, ClinGen allele CA236504952.
Genomic context (GRCh38, chr12:47,843,504, plus strand): 5'-CTCACTCTCACAAAGACCCCACCTTGGAGTAAACGGACAGACGCTTCCCACCAGCTGGGC[T>C]GGGCTGGCTGCAGAGAGCATGCACTTGAAGTTGTATCACTCCGCCCCTGCCTCACAGGCA-3'

ClinVar aggregate classification (germline): Likely benign (1 of 4 stars; one submission).

Conditions:
Vitamin D-dependent rickets type II with alopecia (VDDR2A). Also called: GENERALIZED RESISTANCE TO 1,25-DIHYDROXYVITAMIN D; HYPOCALCEMIC VITAMIN D-RESISTANT RICKETS; PDDR IIA; PSEUDOVITAMIN D-DEFICIENCY, TYPE IIA; RICKETS, HEREDITARY VITAMIN D-RESISTANT; RICKETS-ALOPECIA SYNDROME. Identifiers: Orphanet 93160, MedGen C0342646, MONDO:0010186, OMIM 277440.

Allele frequency attached by ClinVar (database versions not stated): gnomAD exomes 0.00284; gnomAD 0.02221 and 0.02375; 1000 Genomes Project 0.02336; TOPMed 0.02495; 1000 Genomes Project 30x 0.02561.
gnomAD v4.1: 3,341 of 152,618 alleles (2.2%); highest among the groups gnomAD compares: African/African-American, 7.7%; 138 homozygotes.

Submission:

Illumina Laboratory Services, Illumina
Classification: Likely benign for Vitamin D-dependent rickets type II with alopecia. Last evaluated: 2018-01-13. Review status: criteria provided, single submitter. Criteria: ICSL Variant Classification Criteria 13 December 2019. Collection method: clinical testing. Allele origin: germline.
Comment: This variant was observed in the ICSL laboratory as part of a predisposition screen in an ostensibly healthy population. It had not been previously curated by ICSL or reported in the Human Gene Mutation Database (HGMD: prior to June 1st, 2018), and was therefore a candidate for classification through an automated scoring system. Utilizing variant allele frequency, disease prevalence and penetrance estimates, and inheritance mode, an automated score was calculated to assess if this variant is too frequent to cause the disease. Based on the score and internal cut-off values, a variant classified as likely benign is not then subjected to further curation. The score for this variant resulted in a classification of likely benign for this disease.